The following is an entry in ClinVar:

ClinVar aggregate classification (germline): Likely pathogenic (1 of 4 stars; one submission).

Conditions:
Osteogenesis imperfecta type 8 (OI8). Identifiers: MedGen C1970458, MONDO:0012581, OMIM 610915.

Allele frequency attached by ClinVar (database versions not stated): TOPMed below 0.00001; gnomAD 0.00001.
gnomAD v4.1: 2 of 1,613,920 alleles (0.00012%); highest among the groups gnomAD compares: Non-Finnish European, 0.000085%; no homozygotes.

Submission:

Labcorp Genetics (formerly Invitae), Labcorp
Classification: Likely pathogenic for Osteogenesis imperfecta type 8. Last evaluated: 2023-08-11. Review status: criteria provided, single submitter. Criteria: Invitae Variant Classification Sherloc (09022015). Collection method: clinical testing. Allele origin: germline.
Comment: In summary, the currently available evidence indicates that the variant is pathogenic, but additional data are needed to prove that conclusively. Therefore, this variant has been classified as Likely Pathogenic. Algorithms developed to predict the effect of sequence changes on RNA splicing suggest that this variant may disrupt the consensus splice site. This variant has not been reported in the literature in individuals affected with P3H1-related conditions. This variant is not present in population databases (gnomAD no frequency). This sequence change affects a donor splice site in intron 13 of the P3H1 gene. It is expected to disrupt RNA splicing. Variants that disrupt the donor or acceptor splice site typically lead to a loss of protein function (PMID: 16199547), and loss-of-function variants in P3H1 are known to be pathogenic (PMID: 17277775, 18566967, 19088120, 22281939).

Literature cited by the submitters: PubMed 16199547; PubMed 17277775; PubMed 18566967; PubMed 19088120; PubMed 22281939.

NM_022356.4(P3H1):c.1914+2T>C

Gene: P3H1 (prolyl 3-hydroxylase 1; minus strand). Cytogenetic location: 1p34.2.
Variant type: single nucleotide variant.
Coding change: c.1914+2T>C on transcript NM_022356.4 (MANE Select); the canonical splice donor site of the intron after coding-DNA position 1914, T replaced by C.
Molecular consequence: splice donor variant.
Genome position (GRCh38, 1-based): chr1:42,747,721, A>G on the plus strand (T>C on the coding strand, the complement: P3H1 is on the minus strand). VCF-style: chr1-42747721-A-G. GRCh37 (hg19) VCF-style: chr1-43213392-A-G.
Other names: c.1914+2T>C (NM_001146289.2, NM_001243246.2).
Identifiers: ClinVar variation 3000195 (VCV003000195.3), dbSNP rs1306034404, ClinGen allele CA339953253.